The following is an entry in ClinVar:

NM_000342.4(SLC4A1):c.55G>A (p.Glu19Lys)

Gene: SLC4A1 (solute carrier family 4 member 1 (Diego blood group); minus strand). Cytogenetic location: 17q21.31.
Variant type: single nucleotide variant.
Coding change: c.55G>A on transcript NM_000342.4 (MANE Select); coding-DNA position 55, G replaced by A.
Protein change: p.Glu19Lys; replaces glutamic acid 19 with lysine.
Molecular consequence: missense variant.
Genome position (GRCh38, 1-based): chr17:44,262,687, C>T on the plus strand (G>A on the coding strand, the complement: SLC4A1 is on the minus strand). VCF-style: chr17-44262687-C-T. GRCh37 (hg19) VCF-style: chr17-42340055-C-T.
Other names: short protein forms E19K.
Identifiers: ClinVar variation 1372462 (VCV001372462.8), dbSNP rs55926998, ClinGen allele CA8600744.

ClinVar aggregate classification (germline): Uncertain significance. Review status: criteria provided, multiple submitters, no conflicts (2 of 4 stars). 2 submissions from 2 submitters: Uncertain significance (2). Last evaluated 2023-05-16.

Allele frequency attached by ClinVar (database versions not stated): ExAC 0.00001; gnomAD 0.00001; gnomAD exomes 0.00001; 1000 Genomes Project 30x 0.00016; 1000 Genomes Project 0.00020.
gnomAD v4.1: 5 of 1,614,114 alleles (0.00031%); highest among the groups gnomAD compares: East Asian, 0.0045%; no homozygotes.

Submissions (2):

Revvity Omics, Revvity
Classification: Uncertain significance. Last evaluated: 2023-05-16. Review status: criteria provided, single submitter. Criteria: ACMG Guidelines, 2015. Collection method: clinical testing. Allele origin: germline.

Labcorp Genetics (formerly Invitae), Labcorp
Classification: Uncertain significance. Last evaluated: 2021-11-13. Review status: criteria provided, single submitter. Criteria: Invitae Variant Classification Sherloc (09022015). Collection method: clinical testing. Allele origin: germline.
Comment: This sequence change replaces glutamic acid, which is acidic and polar, with lysine, which is basic and polar, at codon 19 of the SLC4A1 protein (p.Glu19Lys). In summary, the available evidence is currently insufficient to determine the role of this variant in disease. Therefore, it has been classified as a Variant of Uncertain Significance. Algorithms developed to predict the effect of missense changes on protein structure and function output the following: SIFT: "Tolerated"; PolyPhen-2: "Benign"; Align-GVGD: "Class C0". The lysine amino acid residue is found in multiple mammalian species, which suggests that this missense change does not adversely affect protein function. This variant has not been reported in the literature in individuals affected with SLC4A1-related conditions. This variant is present in population databases (rs55926998, gnomAD 0.006%).